The following is an entry in ClinVar:

NM_000138.5(FBN1):c.4210G>A (p.Asp1404Asn)

Gene: FBN1 (fibrillin 1; minus strand). Cytogenetic location: 15q21.1.
Variant type: single nucleotide variant.
Coding change: c.4210G>A on transcript NM_000138.5 (MANE Select); coding-DNA position 4210, G replaced by A.
Protein change: p.Asp1404Asn; replaces aspartic acid 1404 with asparagine.
Molecular consequence: missense variant.
Genome position (GRCh38, 1-based): chr15:48,474,255, C>T on the plus strand (G>A on the coding strand, the complement: FBN1 is on the minus strand). VCF-style: chr15-48474255-C-T. GRCh37 (hg19) VCF-style: chr15-48766452-C-T.
Other names: p.D1404N:GAC>AAC; short protein forms D1404N.
Identifiers: ClinVar variation 200040 (VCV000200040.11), dbSNP rs794728220, ClinGen allele CA014849.

ClinVar aggregate classification (germline): Conflicting classifications of pathogenicity. Review status: criteria provided, conflicting classifications (1 of 4 stars). 2 submissions from 2 submitters: Likely pathogenic (1); Uncertain significance (1). Last evaluated 2022-07-11.

Conditions:
Marfan syndrome (MFS). Also called: Marfan syndrome, classic; FBN1-Related Marfan Syndrome; Marfan syndrome type 1; Marfan's syndrome; MARFAN SYNDROME, TYPE I. Identifiers: Orphanet 284963, Orphanet 558, MedGen C0024796, MONDO:0007947, OMIM 154700.
Familial thoracic aortic aneurysm and aortic dissection (TAAD). Also called: Thoracic aortic aneurysms and dissections. Identifiers: Orphanet 91387, MedGen C4707243, MONDO:0019625.

Submissions (2):

GeneDx
Classification: Uncertain significance. Last evaluated: 2022-07-11. Review status: criteria provided, single submitter. Criteria: GeneDx Variant Classification Process June 2021. Collection method: clinical testing. Allele origin: germline. Affected: yes.
Comment: Identified in individuals with Marfan syndrome in the published literature (PMID: 33059708); Not observed at significant frequency in large population cohorts (gnomAD); In silico analysis supports a deleterious effect on splicing; In silico analysis supports that this missense variant has a deleterious effect on protein structure/function; This variant is associated with the following publications: (PMID: 20591885, 33059708)

Labcorp Genetics (formerly Invitae), Labcorp
Classification: Likely pathogenic for Marfan syndrome; Familial thoracic aortic aneurysm and aortic dissection. Last evaluated: 2021-06-11. Review status: criteria provided, single submitter. Criteria: Invitae Variant Classification Sherloc (09022015). Collection method: clinical testing. Allele origin: germline.
Comment: This sequence change replaces aspartic acid with asparagine at codon 1404 of the FBN1 protein (p.Asp1404Asn). The aspartic acid residue is highly conserved and there is a small physicochemical difference between aspartic acid and asparagine. This variant also falls at the last nucleotide of exon 34, which is part of the consensus splice site for this exon. This variant is not present in population databases (ExAC no frequency). This variant has been observed in individual(s) with Marfan syndrome (Invitae). ClinVar contains an entry for this variant (Variation ID: 200040). Algorithms developed to predict the effect of missense changes on protein structure and function are either unavailable or do not agree on the potential impact of this missense change (SIFT: "Deleterious"; PolyPhen-2: "Probably Damaging"; Align-GVGD: "Class C0"). Nucleotide substitutions within the consensus splice site are a relatively common cause of aberrant splicing (PMID: 17576681, 9536098). Algorithms developed to predict the effect of sequence changes on RNA splicing suggest that this variant may disrupt the consensus splice site, but this prediction has not been confirmed by published transcriptional studies. This variant disrupts the p.Asp1404 amino acid residue in FBN1. Other variant(s) that disrupt this residue have been determined to be pathogenic (PMID: 9338581). This suggests that this residue is clinically significant, and that variants that disrupt this residue are likely to be disease-causing. In summary, the currently available evidence indicates that the variant is pathogenic, but additional data are needed to prove that conclusively. Therefore, this variant has been classified as Likely Pathogenic.

Literature cited by the submitters: PubMed 17576681 (cited by Labcorp Genetics (formerly Invitae), Labcorp); PubMed 9536098 (cited by Labcorp Genetics (formerly Invitae), Labcorp); PubMed 9338581 (cited by Labcorp Genetics (formerly Invitae), Labcorp).